The following is an entry in ClinVar:

NM_005886.3(KATNB1):c.1257G>C (p.Lys419Asn)

Gene: KATNB1 (katanin regulatory subunit B1; plus strand). Cytogenetic location: 16q21.
Variant type: single nucleotide variant.
Coding change: c.1257G>C on transcript NM_005886.3 (MANE Select); coding-DNA position 1257, G replaced by C.
Protein change: p.Lys419Asn; replaces lysine 419 with asparagine.
Molecular consequence: missense variant.
Genome position (GRCh38, 1-based): chr16:57,754,958, G>C. VCF-style: chr16-57754958-G-C. GRCh37 (hg19) VCF-style: chr16-57788870-G-C.
Other names: short protein forms K419N.
Identifiers: ClinVar variation 1715327 (VCV001715327.5), dbSNP rs2543425079, ClinGen allele CA396072157.
Genomic context (GRCh38, chr16:57,754,958, plus strand): 5'-CGGACCCAGTCATCTTTTCCTTTTGCCTCCAGACGCAGCCACAGCAAAGGAGGCAGCAAA[G>C]CCCAGCCCTGCCATGGATGTGCAGTTCCCGGTGCCAAATGTATGTCCATGGAGGGAGCAT-3'
Protein context (NP_005877.2, residues 409-429): DDAATAKEAA[Lys419Asn]PSPAMDVQFP

ClinVar aggregate classification (germline): Uncertain significance (1 of 4 stars; one submission).

Allele frequency attached by ClinVar (database versions not stated): gnomAD exomes below 0.00001.
gnomAD v4.1: 1 of 1,614,078 alleles (0.000062%); highest among the groups gnomAD compares: East Asian, 0.0022%; no homozygotes.

Submission:

Labcorp Genetics (formerly Invitae), Labcorp
Classification: Uncertain significance. Last evaluated: 2025-08-21. Review status: criteria provided, single submitter. Criteria: Invitae Variant Classification Sherloc (09022015). Collection method: clinical testing. Allele origin: germline.
Comment: This sequence change replaces lysine, which is basic and polar, with asparagine, which is neutral and polar, at codon 419 of the KATNB1 protein (p.Lys419Asn). This variant is not present in population databases (gnomAD no frequency). This variant has not been reported in the literature in individuals affected with KATNB1-related conditions. ClinVar contains an entry for this variant (Variation ID: 1715327). Invitae Evidence Modeling of protein sequence and biophysical properties (such as structural, functional, and spatial information, amino acid conservation, physicochemical variation, residue mobility, and thermodynamic stability) indicates that this missense variant is not expected to disrupt KATNB1 protein function with a negative predictive value of 95%. In summary, the available evidence is currently insufficient to determine the role of this variant in disease. Therefore, it has been classified as a Variant of Uncertain Significance.